The following is an entry in ClinVar:

ClinVar aggregate classification (germline): Uncertain significance (1 of 4 stars; one submission).

Allele frequency attached by ClinVar (database versions not stated): gnomAD exomes below 0.00001; ExAC 0.00001.
gnomAD v4.1: 3 of 1,614,170 alleles (0.00019%); highest among the groups gnomAD compares: Non-Finnish European, 0.00025%; no homozygotes.

Submission:

Labcorp Genetics (formerly Invitae), Labcorp
Classification: Uncertain significance. Last evaluated: 2022-06-29. Review status: criteria provided, single submitter. Criteria: Invitae Variant Classification Sherloc (09022015). Collection method: clinical testing. Allele origin: germline.
Comment: In summary, the available evidence is currently insufficient to determine the role of this variant in disease. Therefore, it has been classified as a Variant of Uncertain Significance. Algorithms developed to predict the effect of missense changes on protein structure and function output the following: SIFT: "Tolerated"; PolyPhen-2: "Benign"; Align-GVGD: "Class C0". The histidine amino acid residue is found in multiple mammalian species, which suggests that this missense change does not adversely affect protein function. This variant has not been reported in the literature in individuals affected with AGBL5-related conditions. This variant is present in population databases (rs745370626, gnomAD 0.0009%). This sequence change replaces glutamine, which is neutral and polar, with histidine, which is basic and polar, at codon 351 of the AGBL5 protein (p.Gln351His).

NM_021831.6(AGBL5):c.1053G>C (p.Gln351His)

Gene: AGBL5 (AGBL carboxypeptidase 5; plus strand). Cytogenetic location: 2p23.3.
Variant type: single nucleotide variant.
Coding change: c.1053G>C on transcript NM_021831.6 (MANE Select); coding-DNA position 1053, G replaced by C.
Protein change: p.Gln351His; replaces glutamine 351 with histidine.
Molecular consequence: missense variant. On other transcripts: non-coding transcript variant (2).
Genome position (GRCh38, 1-based): chr2:27,055,826, G>C. VCF-style: chr2-27055826-G-C. GRCh37 (hg19) VCF-style: chr2-27278694-G-C.
Other names: c.1053G>C, p.Gln351His (NM_001035506.1, NM_001035507.3); short protein forms Q351H.
Identifiers: ClinVar variation 2012258 (VCV002012258.4), dbSNP rs745370626, ClinGen allele CA1567784.